The following is an entry in ClinVar:

ClinVar aggregate classification (germline): Uncertain significance. Review status: criteria provided, multiple submitters, no conflicts (2 of 4 stars). 3 submissions from 3 submitters: Uncertain significance (3). Last evaluated 2025-04-20.

Conditions:
Cardiovascular phenotype. Identifiers: MedGen CN230736.
Brugada syndrome. Also called: Sudden unexpected nocturnal death syndrome; Sudden unexplained nocturnal death syndrome; Sudden Unexplained Death Syndrome; Sudden Unexplained Nocturnal Death Syndrome (SUNDS). Identifiers: Orphanet 130, MedGen C1142166, MONDO:0015263.

Allele frequency attached by ClinVar (database versions not stated): gnomAD exomes 0.00001; TOPMed 0.00002; ExAC 0.00001; gnomAD 0.00003.
gnomAD v4.1: 12 of 1,597,146 alleles (0.00075%); highest among the groups gnomAD compares: Middle Eastern, 0.017%; no homozygotes.

Submissions (3):

Ambry Genetics
Classification: Uncertain significance for Cardiovascular phenotype. Last evaluated: 2025-04-20. Review status: criteria provided, single submitter. Criteria: Ambry Variant Classification Scheme 2023. Collection method: clinical testing. Allele origin: germline.
Comment: The p.T872M variant (also known as c.2615C>T), located in coding exon 15 of the SCN10A gene, results from a C to T substitution at nucleotide position 2615. The threonine at codon 872 is replaced by methionine, an amino acid with similar properties. This amino acid position is poorly conserved in available vertebrate species. In addition, this alteration is predicted to be tolerated by in silico analysis. The evidence for this gene-disease relationship is limited; therefore, the clinical significance of this alteration is unclear.

Labcorp Genetics (formerly Invitae), Labcorp
Classification: Uncertain significance for Brugada syndrome. Last evaluated: 2022-07-08. Review status: criteria provided, single submitter. Criteria: Invitae Variant Classification Sherloc (09022015). Collection method: clinical testing. Allele origin: germline.
Comment: This sequence change replaces threonine, which is neutral and polar, with methionine, which is neutral and non-polar, at codon 872 of the SCN10A protein (p.Thr872Met). This variant is present in population databases (rs757355631, gnomAD 0.005%). This missense change has been observed in individual(s) with Brugada syndrome (PMID: 27272739). ClinVar contains an entry for this variant (Variation ID: 1303911). Advanced modeling of protein sequence and biophysical properties (such as structural, functional, and spatial information, amino acid conservation, physicochemical variation, residue mobility, and thermodynamic stability) performed at Invitae indicates that this missense variant is not expected to disrupt SCN10A protein function. In summary, the available evidence is currently insufficient to determine the role of this variant in disease. Therefore, it has been classified as a Variant of Uncertain Significance.

GeneDx
Classification: Uncertain significance. Last evaluated: 2019-02-19. Review status: criteria provided, single submitter. Criteria: GeneDx Variant Classification Process June 2021. Collection method: clinical testing. Allele origin: germline. Affected: yes.
Comment: Not observed at a significant frequency in large population cohorts (Lek et al., 2016); In silico analysis, which includes protein predictors and evolutionary conservation, supports that this variant does not alter protein structure/function; Reported as a benign variant in a patient with Brugada syndrome (Zhang et al., 2017); This variant is associated with the following publications: (PMID: 27272739, 30821013)

Literature cited by the submitters: PubMed 27272739 (cited by Ambry Genetics and Labcorp Genetics (formerly Invitae), Labcorp); PubMed 30821013 (cited by Ambry Genetics).

NM_006514.4(SCN10A):c.2615C>T (p.Thr872Met)

Gene: SCN10A (sodium voltage-gated channel alpha subunit 10; minus strand). Cytogenetic location: 3p22.2.
Variant type: single nucleotide variant.
Coding change: c.2615C>T on transcript NM_006514.4 (MANE Select); coding-DNA position 2615, C replaced by T.
Protein change: p.Thr872Met; replaces threonine 872 with methionine.
Molecular consequence: missense variant.
Genome position (GRCh38, 1-based): chr3:38,728,567, G>A on the plus strand (C>T on the coding strand, the complement: SCN10A is on the minus strand). VCF-style: chr3-38728567-G-A. GRCh37 (hg19) VCF-style: chr3-38770058-G-A.
Other names: c.2615C>T, p.Thr872Met (NM_001293306.2); c.2321C>T, p.Thr774Met (NM_001293307.2); short protein forms T774M, T872M.
Identifiers: ClinVar variation 1303911 (VCV001303911.7), dbSNP rs757355631, ClinGen allele CA2320503.